The following is an entry in ClinVar:

NM_017636.4(TRPM4):c.3132-213A>G

Gene: TRPM4 (transient receptor potential cation channel subfamily M member 4; plus strand). Cytogenetic location: 19q13.33.
Variant type: single nucleotide variant.
Coding change: c.3132-213A>G on transcript NM_017636.4 (MANE Select); 213 bases into the intron before coding-DNA position 3132, A replaced by G.
Molecular consequence: intron variant.
Genome position (GRCh38, 1-based): chr19:49,209,996, A>G. VCF-style: chr19-49209996-A-G. GRCh37 (hg19) VCF-style: chr19-49713253-A-G.
Other names: c.2697-213A>G (NM_001195227.2); c.1524-213A>G (NM_001321282.2); c.2787-213A>G (NM_001321281.2); c.2610-213A>G (NM_001321283.2); c.2070-213A>G (NM_001321285.2).
Identifiers: ClinVar variation 675423 (VCV000675423.1), dbSNP rs8104946, ClinGen allele CA309419884.

ClinVar aggregate classification (germline): Benign (1 of 4 stars; one submission).

Allele frequency attached by ClinVar (database versions not stated): gnomAD 0.05616 and 0.05936; 1000 Genomes Project 0.05911; 1000 Genomes Project 30x 0.06152; TOPMed 0.06278.
gnomAD v4.1: 8,452 of 151,796 alleles (5.6%); highest among the groups gnomAD compares: African/African-American, 17%; 703 homozygotes.

Submission:

GeneDx
Classification: Benign. Last evaluated: 2018-06-14. Review status: criteria provided, single submitter. Criteria: GeneDx Variant Classification (06012015). Collection method: clinical testing. Allele origin: germline. Affected: yes.
Comment: This variant is considered likely benign or benign based on one or more of the following criteria: it is a conservative change, it occurs at a poorly conserved position in the protein, it is predicted to be benign by multiple in silico algorithms, and/or has population frequency not consistent with disease.